The following is an entry in ClinVar:

NM_001330260.2(SCN8A):c.5386G>A (p.Asp1796Asn)

Gene: SCN8A (sodium voltage-gated channel alpha subunit 8; plus strand). Cytogenetic location: 12q13.13.
Variant type: single nucleotide variant.
Coding change: c.5386G>A on transcript NM_001330260.2 (MANE Select); coding-DNA position 5386, G replaced by A.
Protein change: p.Asp1796Asn; replaces aspartic acid 1796 with asparagine.
Molecular consequence: missense variant.
Genome position (GRCh38, 1-based): chr12:51,806,872, G>A. VCF-style: chr12-51806872-G-A. GRCh37 (hg19) VCF-style: chr12-52200656-G-A.
Other names: c.5263G>A, p.Asp1755Asn (NM_001177984.3, NM_001369788.1); c.5386G>A, p.Asp1796Asn (NM_014191.4); short protein forms D1755N, D1796N.
Identifiers: ClinVar variation 1806768 (VCV001806768.2), dbSNP rs2540334997, ClinGen allele CA384885774.

ClinVar aggregate classification (germline): Uncertain significance (1 of 4 stars; one submission).

Allele frequency attached by ClinVar (database versions not stated): gnomAD exomes below 0.00001.
gnomAD v4.1: 1 of 1,613,716 alleles (0.000062%); highest among the groups gnomAD compares: Non-Finnish European, 0.000085%; no homozygotes.

Submission:

GeneDx
Classification: Uncertain significance. Last evaluated: 2023-09-23. Review status: criteria provided, single submitter. Criteria: GeneDx Variant Classification Process June 2021. Collection method: clinical testing. Allele origin: germline. Affected: yes.
Comment: Not observed at significant frequency in large population cohorts (gnomAD); Missense variants in this gene are a common cause of disease and they are underrepresented in the general population; In silico analysis supports that this missense variant has a deleterious effect on protein structure/function; Has not been previously published as pathogenic or benign to our knowledge; This substitution is predicted to be within the C-terminal cytoplasmic domain.